The following is an entry in ClinVar:

NM_003000.3(SDHB):c.643-8_643-3del

Gene: SDHB (succinate dehydrogenase complex iron sulfur subunit B; minus strand). Cytogenetic location: 1p36.13.
Variant type: Deletion.
Coding change: c.643-8_643-3del on transcript NM_003000.3 (MANE Select); 8 bases into the intron before coding-DNA position 643 through 3 bases into the intron before coding-DNA position 643, 6 bases deleted (TTTTCC; older notation c.643-8_643-3delTTTTCC).
Molecular consequence: intron variant.
Genome position (GRCh38, 1-based): chr1:17,022,733-17,022,738, GGAAAA deleted on the plus strand (TTTTCC on the coding strand, the reverse complement: SDHB is on the minus strand). VCF-style (leftmost placement, unchanged base first): chr1-17022732-TGGAAAA-T. GRCh37 (hg19) VCF-style: chr1-17349227-TGGAAAA-T.
Identifiers: ClinVar variation 944109 (VCV000944109.7), dbSNP rs2077969156, ClinGen allele CA1139655462.

ClinVar aggregate classification (germline): Uncertain significance (1 of 4 stars; one submission).

Conditions:
Gastrointestinal stromal tumor. Also called: Gastrointestinal stromal tumor, somatic; Gastrointestinal stroma tumor. Identifiers: Orphanet 44890, MedGen C0238198, MeSH D046152, MONDO:0011719, OMIM 606764, HP:0100723.
Pheochromocytoma/paraganglioma syndrome 4. Also called: CAROTID BODY TUMORS AND MULTIPLE EXTRAADRENAL PHEOCHROMOCYTOMAS; SDHB-Related Hereditary Paraganglioma-Pheochromocytoma Syndrome; Paragangliomas 4; SDHB-Related Hereditary Paraganglioma-Pheochromocytoma Syndrome (Paragangliomas 4); PARAGANGLIOMA, FAMILIAL MALIGNANT; PARAGANGLIOMAS, HEREDITARY EXTRAADRENAL. Identifiers: Orphanet 29072, MedGen C1861848, MONDO:0007273, OMIM 115310.
Pheochromocytoma. Also called: MAX-Related Hereditary Paraganglioma-Pheochromocytoma Syndrome. Identifiers: Orphanet 29072, MedGen C0031511, MONDO:0008233, OMIM 171300, HP:0002666.

Submission:

Labcorp Genetics (formerly Invitae), Labcorp
Classification: Uncertain significance for Gastrointestinal stromal tumor; Pheochromocytoma/paraganglioma syndrome 4; Pheochromocytoma. Last evaluated: 2020-01-07. Review status: criteria provided, single submitter. Criteria: Invitae Variant Classification Sherloc (09022015). Collection method: clinical testing. Allele origin: germline.
Comment: In summary, the available evidence is currently insufficient to determine the role of this variant in disease. Therefore, it has been classified as a Variant of Uncertain Significance. Nucleotide substitutions within the consensus splice site are a relatively common cause of aberrant splicing (PMID: 17576681, 9536098). Algorithms developed to predict the effect of sequence changes on RNA splicing suggest that this variant may disrupt the consensus splice site, but this prediction has not been confirmed by published transcriptional studies. This variant has not been reported in the literature in individuals with SDHB-related conditions. This variant is not present in population databases (ExAC no frequency). This sequence change falls in intron 6 of the SDHB gene. It does not directly change the encoded amino acid sequence of the SDHB protein, but it affects a nucleotide within the consensus splice site of the intron.

Literature cited by the submitters: PubMed 17576681; PubMed 9536098.